The following is an entry in ClinVar:

NM_139058.3(ARX):c.57del (p.Lys19fs)

Gene: ARX (aristaless related homeobox; minus strand). Cytogenetic location: Xp21.3.
Variant type: Deletion.
Coding change: c.57del on transcript NM_139058.3 (MANE Select); coding-DNA position 57, one base deleted (A; older notation c.57delA).
Protein change: p.Lys19fs; shifts the reading frame from lysine 19.
Molecular consequence: frameshift variant.
Genome position (GRCh38, 1-based): chrX:25,015,681, T deleted on the plus strand (A on the coding strand, the reverse complement: ARX is on the minus strand); the first of 3 consecutive T bases (chrX:25,015,681-25,015,683); deleting any one gives the same sequence. VCF-style (leftmost placement, unchanged base first): chrX-25015680-AT-A. GRCh37 (hg19) VCF-style: chrX-25033797-AT-A.
Other names: short protein forms K19fs.
Identifiers: ClinVar variation 4784351 (VCV004784351.1).
Genomic context (GRCh38, chrX:25,015,680, plus strand): 5'-TGCACGGGCTCCTCCGGCCCAGGATGCTGTCGATGCAGTAGGAGGAGAGCAAAGTTGGAG[AT>A]TTACTTTTGCACTCGGGCCTCTCGGAGCAGCCCTCCTCCTGGTACTGATTGCTCATGGCT-3'

ClinVar aggregate classification (germline): Pathogenic (1 of 4 stars; one submission).

Conditions:
Intellectual disability, X-linked, with or without seizures, ARX-related. Also called: MENTAL RETARDATION, X-LINKED 29; MENTAL RETARDATION, X-LINKED 32; MENTAL RETARDATION, X-LINKED 33; MENTAL RETARDATION, X-LINKED 38; MENTAL RETARDATION, X-LINKED 43; MENTAL RETARDATION, X-LINKED 76. Identifiers: Orphanet 777, MedGen C0796244, MONDO:0010317, OMIM 300419.
Developmental and epileptic encephalopathy, 1 (DEE1). Also called: X-linked infantile spasms; West's syndrome; Tonic spasms with clustering, arrest of psychomotor development and hypsarrhythmia on EEG; X-Linked Infantile Spasm Syndrome; OHTAHARA SYNDROME, X-LINKED; INFANTILE SPASM SYNDROME, X-LINKED 1. Identifiers: MedGen C3463992, MONDO:0010632, OMIM 308350. Disease mechanism: loss of function.

Submission:

Labcorp Genetics (formerly Invitae), Labcorp
Classification: Pathogenic for Developmental and epileptic encephalopathy, 1; Intellectual disability, X-linked, with or without seizures, ARX-related. Last evaluated: 2025-03-11. Review status: criteria provided, single submitter. Criteria: Invitae Variant Classification Sherloc (09022015). Collection method: clinical testing. Allele origin: germline.
Comment: This sequence change creates a premature translational stop signal (p.Lys19Asnfs*36) in the ARX gene. It is expected to result in an absent or disrupted protein product. Loss-of-function variants in ARX are known to be pathogenic (PMID: 19439424, 19738637). This variant is not present in population databases (gnomAD no frequency). This variant has not been reported in the literature in individuals affected with ARX-related conditions. For these reasons, this variant has been classified as Pathogenic.

Literature cited by the submitters: PubMed 19439424; PubMed 19738637.